The following is an entry in ClinVar:

NM_000350.3(ABCA4):c.123G>A (p.Trp41Ter)

Gene: ABCA4 (ATP binding cassette subfamily A member 4; minus strand). Cytogenetic location: 1p22.1.
Variant type: single nucleotide variant.
Coding change: c.123G>A on transcript NM_000350.3 (MANE Select); coding-DNA position 123, G replaced by A.
Protein change: p.Trp41Ter; replaces tryptophan 41 with a stop codon.
Molecular consequence: nonsense.
Genome position (GRCh38, 1-based): chr1:94,113,010, C>T on the plus strand (G>A on the coding strand, the complement: ABCA4 is on the minus strand). VCF-style: chr1-94113010-C-T. GRCh37 (hg19) VCF-style: chr1-94578566-C-T.
Other names: NP_000341.2:p.(Trp41Ter); c.123G>A (NM_000350.2); c.123G>A, p.Trp41Ter (NM_001425324.1); short protein forms W41*.
Identifiers: ClinVar variation 500506 (VCV000500506.22), dbSNP rs748357067, ClinGen allele CA958928.

ClinVar aggregate classification (germline): Pathogenic. Review status: criteria provided, multiple submitters, no conflicts (2 of 4 stars). 6 submissions from 6 submitters: Pathogenic (6). Last evaluated 2025-03-04.

Conditions:
ABCA4-related disorder. Also called: ABCA4-related condition; ABCA4-related disorders. Identifiers: MedGen CN239167.
Retinal dystrophy. Also called: Inherited retinal dystrophy. Identifiers: Orphanet 71862, MedGen C0854723, MeSH D058499, MONDO:0019118, HP:0000556.
Inborn genetic diseases. Identifiers: MedGen C0950123, MeSH D030342.

Allele frequency attached by ClinVar (database versions not stated): gnomAD exomes below 0.00001; TOPMed below 0.00001; ExAC 0.00001; gnomAD 0.00001.

Submissions (6):

Labcorp Genetics (formerly Invitae), Labcorp
Classification: Pathogenic. Last evaluated: 2025-03-04. Review status: criteria provided, single submitter. Criteria: Invitae Variant Classification Sherloc (09022015). Collection method: clinical testing. Allele origin: germline.
Comment: This sequence change creates a premature translational stop signal (p.Trp41*) in the ABCA4 gene. It is expected to result in an absent or disrupted protein product. Loss-of-function variants in ABCA4 are known to be pathogenic (PMID: 10958761, 24938718, 25312043, 26780318). This variant is present in population databases (rs748357067, gnomAD 0.0009%). This premature translational stop signal has been observed in individual(s) with ABCA4-related disease (PMID: 25444351, 30670881). ClinVar contains an entry for this variant (Variation ID: 500506). For these reasons, this variant has been classified as Pathogenic.

Ambry Genetics
Classification: Pathogenic for Inborn genetic diseases. Last evaluated: 2024-11-01. Review status: criteria provided, single submitter. Criteria: Ambry Variant Classification Scheme 2023. Collection method: clinical testing. Allele origin: germline.
Comment: The c.123G>A (p.W41*) alteration, located in exon 2 (coding exon 2) of the ABCA4 gene, consists of a G to A substitution at nucleotide position 123. This changes the amino acid from a tryptophan (W) to a stop codon at amino acid position 41. This alteration is expected to result in loss of function by premature protein truncation or nonsense-mediated mRNA decay. Based on data from gnomAD, the A allele has an overall frequency of <0.001% (1/251406) total alleles studied. The highest observed frequency was 0.001% (1/113710) of European (non-Finnish) alleles. This variant has been identified in conjunction with other ABCA4 variants in individuals with cone-rod dystrophy and/or Stargardt disease (Cideciyan, 2009; Song, 2021). A different nucleotide change resulting in the same amino acid change, c.122G>A (p.W41*), has been observed in trans with another ABCA4 variant in an individual with macular atrophy (Bauwens, 2019). Based on the available evidence, this alteration is classified as pathogenic.

Ophthalmic Genetics Group, Institute of Molecular and Clinical Ophthalmology Basel
Classification: Pathogenic for Retinal dystrophy. Last evaluated: 2024-05-27. Review status: criteria provided, single submitter. Criteria: ACMG Guidelines, 2015. Collection method: research. Allele origin: germline. Affected: yes. Observed: 2 variant alleles.
Comment: This variant was classified as Pathogenic based on ACMG criteria: PVS1_very strong, PS4_mod and PM2_mod

Blueprint Genetics
Classification: Pathogenic for ABCA4-related disorders. Last evaluated: 2021-12-17. Review status: criteria provided, single submitter. Criteria: ACMG Guidelines, 2015. Collection method: clinical testing. Allele origin: germline. Affected: yes. Observed: 2 variant alleles.

ARUP Laboratories, Molecular Genetics and Genomics, ARUP Laboratories
Classification: Pathogenic. Last evaluated: 2019-01-03. Review status: criteria provided, single submitter. Criteria: ARUP Molecular Germline Variant Investigation Process. Collection method: clinical testing. Allele origin: germline.
Comment: The ABCA4 c.123G>A; p.Trp41Ter variant (rs748357067), to our knowledge, is not reported in the medical literature. However, another variant in the same codon leading to the same premature termination codon, c.122G>A; p.Trp41Ter has been reported in individuals with Stargardt or ABCA4-related disease (Cideciyan 2009, Jaakson 2003). The c.123G>A variant has been reported as pathogenic in the ClinVar database (Variation ID: 500506) and in the Genome Aggregation Database in 1 out of 251406 alleles, indicating it is not a common polymorphism. This variant induces an early termination codon and is predicted to result in a truncated protein or mRNA subject to nonsense-mediated decay. Considering available information, this variant is classified as pathogenic. References: Cideciyan AV et al. ABCA4 disease progression and a proposed strategy for gene therapy. Hum Mol Genet. 2009 Mar 1;18(5):931-41. Jaakson K et al. Genotyping microarray (gene chip) for the ABCR (ABCA4) gene. Hum Mutat. 2003 Nov;22(5):395-403.

Eurofins Ntd Llc (ga)
Classification: Pathogenic. Last evaluated: 2018-02-20. Review status: criteria provided, single submitter. Criteria: EGL ClinVar v180209 classification definitions. Collection method: clinical testing. Allele origin: germline. Observed: 2 variant alleles, 2 heterozygotes.

Literature cited by the submitters: PubMed 10958761 (cited by Labcorp Genetics (formerly Invitae), Labcorp and Ophthalmic Genetics Group, Institute of Molecular and Clinical Ophthalmology Basel); PubMed 24938718 (cited by Labcorp Genetics (formerly Invitae), Labcorp and Ophthalmic Genetics Group, Institute of Molecular and Clinical Ophthalmology Basel); PubMed 25312043 (cited by Labcorp Genetics (formerly Invitae), Labcorp); PubMed 26780318 (cited by Labcorp Genetics (formerly Invitae), Labcorp); PubMed 25444351 (cited by Labcorp Genetics (formerly Invitae), Labcorp); PubMed 30670881 (cited by Labcorp Genetics (formerly Invitae), Labcorp and Ambry Genetics); PubMed 19074458 (cited by Ambry Genetics); PubMed 21911583 (cited by Ambry Genetics); PubMed 34440443 (cited by Ambry Genetics); PubMed 40180963 (cited by Ophthalmic Genetics Group, Institute of Molecular and Clinical Ophthalmology Basel).